The following is an entry in ClinVar:

NM_022455.5(NSD1):c.3092G>A (p.Arg1031Gln)

Gene: NSD1 (nuclear receptor binding SET domain protein 1; plus strand). Cytogenetic location: 5q35.3.
Variant type: single nucleotide variant.
Coding change: c.3092G>A on transcript NM_022455.5 (MANE Select); coding-DNA position 3092, G replaced by A.
Protein change: p.Arg1031Gln; replaces arginine 1031 with glutamine.
Molecular consequence: missense variant.
Genome position (GRCh38, 1-based): chr5:177,211,491, G>A. VCF-style: chr5-177211491-G-A. GRCh37 (hg19) VCF-style: chr5-176638492-G-A.
Other names: c.2219G>A, p.Arg740Gln (NM_001365684.2, NM_001409306.1, NM_001409307.1 and 3 more transcripts); c.3092G>A, p.Arg1031Gln (NM_001409301.1, NM_001409302.1, NM_001409303.1); c.2672G>A, p.Arg891Gln (NM_001409304.1); c.2339G>A, p.Arg780Gln (NM_001409305.1); short protein forms R1031Q, R762Q, R740Q, R780Q, R891Q.
Identifiers: ClinVar variation 1544951 (VCV001544951.16), dbSNP rs780306768, ClinGen allele CA3577374.

ClinVar aggregate classification (germline): Likely benign. Review status: criteria provided, multiple submitters, no conflicts (2 of 4 stars). 3 submissions from 3 submitters: Likely benign (3). Last evaluated 2025-04-15.

Allele frequency attached by ClinVar (database versions not stated): ExAC 0.00002; TOPMed 0.00003; gnomAD 0.00004; gnomAD exomes 0.00005.
gnomAD v4.1: 32 of 1,613,974 alleles (0.002%); highest among the groups gnomAD compares: Admixed American, 0.037%; no homozygotes.

Submissions (3):

Labcorp Genetics (formerly Invitae), Labcorp
Classification: Likely benign. Last evaluated: 2025-04-15. Review status: criteria provided, single submitter. Criteria: Invitae Variant Classification Sherloc (09022015). Collection method: clinical testing. Allele origin: germline.

CeGaT Center for Human Genetics Tuebingen
Classification: Likely benign. Last evaluated: 2025-03-01. Review status: criteria provided, single submitter. Criteria: CeGaT Center For Human Genetics Tuebingen Variant Classification Criteria Version 2. Collection method: clinical testing. Allele origin: germline. Affected: yes. Observed: 1 variant allele.
Comment: NSD1: BS1

Blueprint Genetics
Classification: Likely benign. Last evaluated: 2024-02-16. Review status: criteria provided, single submitter. Criteria: ACMG Guidelines, 2015. Collection method: clinical testing. Allele origin: germline.